The following is an entry in ClinVar:

ClinVar aggregate classification (germline): Uncertain significance (1 of 4 stars; one submission).

Submission:

Labcorp Genetics (formerly Invitae), Labcorp
Classification: Uncertain significance. Last evaluated: 2025-08-24. Review status: criteria provided, single submitter. Criteria: Invitae Variant Classification Sherloc (09022015). Collection method: clinical testing. Allele origin: germline.
Comment: This sequence change replaces tyrosine, which is neutral and polar, with histidine, which is basic and polar, at codon 818 of the POLE protein (p.Tyr818His). This variant is not present in population databases (gnomAD no frequency). This variant has not been reported in the literature in individuals affected with POLE-related conditions. Invitae Evidence Modeling of protein sequence and biophysical properties (such as structural, functional, and spatial information, amino acid conservation, physicochemical variation, residue mobility, and thermodynamic stability) indicates that this missense variant is expected to disrupt POLE protein function with a positive predictive value of 80%. In summary, the available evidence is currently insufficient to determine the role of this variant in disease. Therefore, it has been classified as a Variant of Uncertain Significance.

NM_006231.4(POLE):c.2452T>C (p.Tyr818His)

Gene: POLE (DNA polymerase epsilon, catalytic subunit; minus strand). Cytogenetic location: 12q24.33.
Variant type: single nucleotide variant.
Coding change: c.2452T>C on transcript NM_006231.4 (MANE Select); coding-DNA position 2452, T replaced by C.
Protein change: p.Tyr818His; replaces tyrosine 818 with histidine.
Molecular consequence: missense variant.
Genome position (GRCh38, 1-based): chr12:132,665,318, A>G on the plus strand (T>C on the coding strand, the complement: POLE is on the minus strand). VCF-style: chr12-132665318-A-G. GRCh37 (hg19) VCF-style: chr12-133241904-A-G.
Other names: short protein forms Y818H.
Identifiers: ClinVar variation 4778593 (VCV004778593.1).